The following is an entry in ClinVar:

NM_001379270.1(CNGA1):c.2051A>T (p.Asp684Val)

Genes: CNGA1 (cyclic nucleotide gated channel subunit alpha 1; minus strand), LOC101927157 (uncharacterized LOC101927157; plus strand). Cytogenetic location: 4p12.
Variant type: single nucleotide variant.
Coding change: c.2051A>T on transcript NM_001379270.1 (MANE Select); coding-DNA position 2051, A replaced by T.
Protein change: p.Asp684Val; replaces aspartic acid 684 with valine.
Molecular consequence: missense variant.
Genome position (GRCh38, 1-based): chr4:47,936,431, T>A on the plus strand (A>T on the coding strand, the complement: CNGA1 is on the minus strand). VCF-style: chr4-47936431-T-A. GRCh37 (hg19) VCF-style: chr4-47938448-T-A.
Other names: c.2051A>T, p.Asp684Val (NM_000087.5, NM_001142564.2); c.2063A>T, p.Asp688Val (NM_001375386.1); short protein forms D684V, D688V.
Identifiers: ClinVar variation 2114474 (VCV002114474.4), dbSNP rs2475744601, ClinGen allele CA356822893.
Genomic context (GRCh38, chr4:47,936,431, plus strand): 5'-GATCAAAAGGATCATGAGGCATGTCCCTGTTAATGACCAGCTTTTCGGTTCTATGTAGAG[T>A]CGATGGGCCCACTTTCCGCTCCAGGTCCCTCAATACTTGAAAATTCTGTGTCAATAAGCG-3'
Protein context (NP_001366199.1, residues 674-686): EGPGAESGPI[Asp684Val]ST

ClinVar aggregate classification (germline): Uncertain significance (1 of 4 stars; one submission).

Submission:

Labcorp Genetics (formerly Invitae), Labcorp
Classification: Uncertain significance. Last evaluated: 2022-03-19. Review status: criteria provided, single submitter. Criteria: Invitae Variant Classification Sherloc (09022015). Collection method: clinical testing. Allele origin: germline.
Comment: In summary, the available evidence is currently insufficient to determine the role of this variant in disease. Therefore, it has been classified as a Variant of Uncertain Significance. Algorithms developed to predict the effect of missense changes on protein structure and function (SIFT, PolyPhen-2, Align-GVGD) all suggest that this variant is likely to be tolerated. This variant has not been reported in the literature in individuals affected with CNGA1-related conditions. This variant is not present in population databases (gnomAD no frequency). This sequence change replaces aspartic acid, which is acidic and polar, with valine, which is neutral and non-polar, at codon 688 of the CNGA1 protein (p.Asp688Val).